The following is an entry in ClinVar:

NM_004360.5(CDH1):c.1536G>A (p.Glu512=)

Gene: CDH1 (cadherin 1; plus strand). Cytogenetic location: 16q22.1.
Variant type: single nucleotide variant.
Coding change: c.1536G>A on transcript NM_004360.5 (MANE Select); coding-DNA position 1536, G replaced by A.
Protein change: p.Glu512=; no amino-acid change (glutamic acid 512 retained).
Molecular consequence: synonymous variant. On other transcripts: 5 prime UTR variant (2).
Genome position (GRCh38, 1-based): chr16:68,815,730, G>A. VCF-style: chr16-68815730-G-A. GRCh37 (hg19) VCF-style: chr16-68849633-G-A.
Other names: c.1353G>A, p.Glu451= (NM_001317184.2); c.-13G>A (NM_001317185.2); c.-284G>A (NM_001317186.2).
Identifiers: ClinVar variation 741702 (VCV000741702.16), dbSNP rs1597898279, ClinGen allele CA496154126.

ClinVar aggregate classification (germline): Benign/Likely benign. Review status: criteria provided, multiple submitters, no conflicts (2 of 4 stars). 4 submissions from 4 submitters: Benign (1); Likely benign (3). Last evaluated 2026-01-19.

Conditions:
Hereditary cancer-predisposing syndrome. Also called: Hereditary neoplastic syndrome; Neoplastic Syndromes, Hereditary; Tumor predisposition; Hereditary Cancer Syndrome. Identifiers: Orphanet 140162, MedGen C0027672, MeSH D009386, MONDO:0015356.
Hereditary diffuse gastric adenocarcinoma (HDGC). Also called: DIFFUSE GASTRIC AND LOBULAR BREAST CANCER SYNDROME. Identifiers: Orphanet 26106, MedGen C1708349, MONDO:0007648, OMIM 137215.

Submissions (4):

Labcorp Genetics (formerly Invitae), Labcorp
Classification: Likely benign for Hereditary diffuse gastric adenocarcinoma. Last evaluated: 2026-01-19. Review status: criteria provided, single submitter. Criteria: Invitae Variant Classification Sherloc (09022015). Collection method: clinical testing. Allele origin: germline.

Myriad Genetics, Inc.
Classification: Benign for Hereditary diffuse gastric adenocarcinoma. Last evaluated: 2024-09-19. Review status: criteria provided, single submitter. Criteria: Myriad Autosomal Dominant, Autosomal Recessive and X-Linked Classification Criteria (2023). Collection method: clinical testing. Allele origin: unknown.
Comment: This variant is considered benign. This variant is a silent/synonymous amino acid change and it is not expected to impact splicing.

Color Diagnostics, LLC DBA Color Health
Classification: Likely benign for Hereditary cancer-predisposing syndrome. Last evaluated: 2023-03-28. Review status: criteria provided, single submitter. Criteria: ACMG Guidelines, 2015. Collection method: clinical testing. Allele origin: germline.

Ambry Genetics
Classification: Likely benign for Hereditary cancer-predisposing syndrome. Last evaluated: 2018-03-03. Review status: criteria provided, single submitter. Criteria: Ambry Variant Classification Scheme 2023. Collection method: clinical testing. Allele origin: germline.